The following is an entry in ClinVar:

NM_007294.4(BRCA1):c.1241dup (p.Asp414fs)

Gene: BRCA1 (BRCA1 DNA repair associated; minus strand). Cytogenetic location: 17q21.31.
Variant type: Duplication.
Coding change: c.1241dup on transcript NM_007294.4 (MANE Select); coding-DNA position 1241, one base duplicated (A; older notation c.1241dupA).
Protein change: p.Asp414fs; shifts the reading frame from aspartic acid 414.
Molecular consequence: frameshift variant. On other transcripts: intron variant (137).
Genome position (GRCh38, 1-based): chr17:43,094,290, T duplicated on the plus strand (A on the coding strand, the reverse complement: BRCA1 is on the minus strand). VCF-style (leftmost placement, unchanged base first): chr17-43094289-G-GT. GRCh37 (hg19) VCF-style: chr17-41246306-G-GT.
Other names: 1360insA; c.1241dupA (NM_007294.3); c.1028dup, p.Asp343fs (NM_001407571.1, NM_001407853.1, NM_001407894.1 and 9 more transcripts); c.1241dup, p.Asp414fs (NM_001407581.1, NM_001407582.1, NM_001407583.1 and 30 more transcripts); c.1238dup, p.Asp413fs (NM_001407587.1, NM_001407590.1, NM_001407591.1 and 22 more transcripts); c.1232dup, p.Asp411fs (NM_001407646.1, NM_001407647.1); c.1118dup, p.Asp373fs (NM_001407648.1, NM_001407664.1, NM_001407665.1 and 19 more transcripts); c.1115dup, p.Asp372fs (NM_001407649.1, NM_001407670.1, NM_001407671.1 and 11 more transcripts); and 42 more; short protein forms D414fs, D367fs, D287fs, D303fs, D366fs, D118fs, D326fs, D344fs.
Identifiers: ClinVar variation 54171 (VCV000054171.5), dbSNP rs80357514, ClinGen allele CA000817.

ClinVar aggregate classification (germline): Pathogenic. Review status: reviewed by expert panel (3 of 4 stars). 4 submissions from 4 submitters: Pathogenic (1). 3 of the submissions do not count toward it. Last evaluated 2016-09-08.

Conditions:
Hereditary breast ovarian cancer syndrome. Also called: Hereditary breast and ovarian cancer syndrome (HBOC); Hereditary breast and ovarian cancer syndrome; Hereditary breast and ovarian cancer; Hereditary breast and/or ovarian cancer syndrome; Breast and ovarian cancer; BRCA1- and BRCA2-Associated Hereditary Breast and Ovarian Cancer. Identifiers: Orphanet 145, MedGen C0677776, MeSH D061325, MONDO:0003582. Disease mechanism: loss of function.
Breast-ovarian cancer, familial, susceptibility to, 1 (BROVCA1). Also called: OVARIAN CANCER, SUSCEPTIBILITY TO; BRCA1 Hereditary Breast and Ovarian Cancer. Identifiers: Orphanet 145, MedGen C2676676, MONDO:0011450, OMIM 604370. Disease mechanism: loss of function.

Submissions (4):

Evidence-based Network for the Interpretation of Germline Mutant Alleles (ENIGMA)
Classification: Pathogenic for Breast-ovarian cancer, familial, susceptibility to, 1. Last evaluated: 2016-09-08. Review status: reviewed by expert panel. Criteria: ENIGMA BRCA1/2 Classification Criteria (2015). Collection method: curation. Allele origin: germline.
Comment: Variant allele predicted to encode a truncated non-functional protein.

Consortium of Investigators of Modifiers of BRCA1/2 (CIMBA), c/o University of Cambridge
Classification: Pathogenic for Breast-ovarian cancer, familial, susceptibility to, 1. Last evaluated: 2015-10-02. Review status: criteria provided, single submitter. Criteria: CIMBA Mutation Classification guidelines May 2016. Collection method: clinical testing. Allele origin: germline. Not counted in ClinVar's aggregate classification.

Research Molecular Genetics Laboratory, Women's College Hospital, University of Toronto
Classification: Pathogenic for Hereditary breast ovarian cancer syndrome. Last evaluated: 2014-01-31. Review status: no assertion criteria provided. Collection method: research. Allele origin: germline. Affected: yes. Study: The Canadian Open Genetics Repository (COGR). Not counted in ClinVar's aggregate classification.

Breast Cancer Information Core (BIC) (BRCA1)
Classification: Pathogenic for Breast-ovarian cancer, familial 1. Last evaluated: 2002-05-29. Review status: no assertion criteria provided. Collection method: clinical testing. Allele origin: germline. Affected: yes. Observed: 1 variant allele. Not counted in ClinVar's aggregate classification.